The following is an entry in ClinVar:

NM_003280.3(TNNC1):c.11T>C (p.Ile4Thr)

Gene: TNNC1 (troponin C1, slow skeletal and cardiac type; minus strand). Cytogenetic location: 3p21.1.
Variant type: single nucleotide variant.
Coding change: c.11T>C on transcript NM_003280.3 (MANE Select); coding-DNA position 11, T replaced by C.
Protein change: p.Ile4Thr; replaces isoleucine 4 with threonine.
Molecular consequence: missense variant.
Genome position (GRCh38, 1-based): chr3:52,454,005, A>G on the plus strand (T>C on the coding strand, the complement: TNNC1 is on the minus strand). VCF-style: chr3-52454005-A-G. GRCh37 (hg19) VCF-style: chr3-52488021-A-G.
Other names: short protein forms I4T.
Identifiers: ClinVar variation 1302995 (VCV001302995.3), dbSNP rs2153230086, ClinGen allele CA353170903.

ClinVar aggregate classification (germline): Uncertain significance (1 of 4 stars; one submission).

Submission:

GeneDx
Classification: Uncertain significance. Last evaluated: 2025-12-21. Review status: criteria provided, single submitter. Criteria: GeneDx Variant Classification Process June 2021. Collection method: clinical testing. Allele origin: germline. Affected: yes.
Comment: Not observed at significant frequency in large population cohorts (gnomAD); In silico analysis suggests that this missense variant does not alter protein structure/function; Has not been previously published as pathogenic or benign to our knowledge